The following is an entry in ClinVar:

ClinVar aggregate classification (germline): Pathogenic/Likely pathogenic. Review status: criteria provided, multiple submitters, no conflicts (2 of 4 stars). 8 submissions from 8 submitters: Pathogenic (6); Likely pathogenic (2). Last evaluated 2026-01-18.

Conditions:
SPTB-related disorder. Also called: SPTB-Related Disorders; SPTB-related condition.
Hereditary spherocytosis type 2. Also called: SPHEROCYTOSIS, TYPE 2, AUTOSOMAL DOMINANT. Identifiers: Orphanet 822, MedGen C2674219, MONDO:0000913, OMIM 616649.

Allele frequency attached by ClinVar (database versions not stated): gnomAD 0.00001; 1000 Genomes Project 30x 0.00016; 1000 Genomes Project 0.00020.
gnomAD v4.1: 1 of 1,614,234 alleles (0.000062%); highest among the groups gnomAD compares: Admixed American, 0.0017%; no homozygotes.

Submissions (8):

Labcorp Genetics (formerly Invitae), Labcorp
Classification: Pathogenic. Last evaluated: 2026-01-18. Review status: criteria provided, single submitter. Criteria: Invitae Variant Classification Sherloc (09022015). Collection method: clinical testing. Allele origin: germline.
Comment: This sequence change creates a premature translational stop signal (p.Arg1306*) in the SPTB gene. It is expected to result in an absent or disrupted protein product. Loss-of-function variants in SPTB are known to be pathogenic (PMID: 1391962, 1498324, 8844207, 26830532, 27292444). This variant is not present in population databases (gnomAD no frequency). This premature translational stop signal has been observed in individual(s) with clinical features of spherocytosis (PMID: 29572776, 32641076). ClinVar contains an entry for this variant (Variation ID: 544816). For these reasons, this variant has been classified as Pathogenic.

PreventionGenetics, part of Exact Sciences
Classification: Pathogenic for SPTB-related condition. Last evaluated: 2025-11-24. Review status: criteria provided, single submitter. Criteria: ACMG Guidelines, 2015. Collection method: clinical testing. Allele origin: germline.
Comment: The SPTB c.3916C>T variant is predicted to result in premature protein termination (p.Arg1306*). This variant was reported in the heterozygous state in individuals with hereditary spherocytosis (Wang et al. 2018. PubMed ID: 29572776; Mansour-Hendili et al. 2020. PubMed ID: 32641076). This variant is reported in 0.0029% of alleles in individuals of Latino descent in gnomAD. Nonsense variants in SPTB are expected to be pathogenic. This variant is interpreted as pathogenic.

ARUP Laboratories, Molecular Genetics and Genomics, ARUP Laboratories
Classification: Pathogenic. Last evaluated: 2025-04-09. Review status: criteria provided, single submitter. Criteria: ARUP Molecular Germline Variant Investigation Process 2024. Collection method: clinical testing. Allele origin: germline.
Comment: The SPTB c.3916C>T; p.Arg1306Ter variant (rs150471537, ClinVar Variation ID: 544816) is reported in the literature in individuals affected with hereditary spherocytosis (Choi 2023, Mansour-Hendili 2020, Wang 2018). This variant is only observed on one allele in the Genome Aggregation Database (v2.1.1), indicating it is not a common polymorphism. This variant induces an early termination codon and is predicted to result in a truncated protein or mRNA subject to nonsense-mediated decay. Based on available information, this variant is considered to be pathogenic. References: Choi YJ et al. Diagnostic yield of targeted next-generation sequencing for pediatric hereditary hemolytic anemia. BMC Med Genomics. 2023 Sep 11. PMID: 37697358 Mansour-Hendili L et al. Exome sequencing for diagnosis of congenital hemolytic anemia. Orphanet J Rare Dis. 2020 Jul 8. PMID: 32641076 Wang R et al. Exome sequencing confirms molecular diagnoses in 38 Chinese families with hereditary spherocytosis. Sci China Life Sci. 2018 Aug. PMID: 29572776

Revvity Omics, Revvity
Classification: Pathogenic. Last evaluated: 2024-07-17. Review status: criteria provided, single submitter. Criteria: ACMG Guidelines, 2015. Collection method: clinical testing. Allele origin: germline.

CeGaT Center for Human Genetics Tuebingen
Classification: Pathogenic. Last evaluated: 2023-06-01. Review status: criteria provided, single submitter. Criteria: CeGaT Center For Human Genetics Tuebingen Variant Classification Criteria Version 2. Collection method: clinical testing. Allele origin: germline. Affected: yes. Observed: 1 variant allele.
Comment: SPTB: PVS1, PS4:Moderate, PM2:Supporting, PM6:Supporting

Institute of Immunology and Genetics Kaiserslautern
Classification: Pathogenic for Hereditary spherocytosis type 2. Last evaluated: 2023-01-30. Review status: criteria provided, single submitter. Criteria: ACMG Guidelines, 2015. Collection method: clinical testing. Allele origin: germline. Affected: yes.
Comment: ACMG Criteria: PVS1, PM2, PP5; Variant was found in heterozygous state.

Mayo Clinic Laboratories, Mayo Clinic
Classification: Likely pathogenic. Last evaluated: 2022-08-22. Review status: criteria provided, single submitter. Criteria: ACMG Guidelines, 2015. Collection method: clinical testing. Allele origin: germline. Observed: 6 variant alleles.
Comment: PVS1, PM2

Department of Genetic, Henri Mondor Hospital, Assistance Publique des Hôpitaux de Paris
Classification: Likely pathogenic for Hereditary spherocytosis type 2. Last evaluated: 2018-02-27. Review status: criteria provided, single submitter. Criteria: ACMG Guidelines, 2015. Collection method: clinical testing. Allele origin: germline. Affected: yes.

Literature cited by the submitters: PubMed 1391962 (cited by Labcorp Genetics (formerly Invitae), Labcorp); PubMed 1498324 (cited by Labcorp Genetics (formerly Invitae), Labcorp); PubMed 8844207 (cited by Labcorp Genetics (formerly Invitae), Labcorp); PubMed 26830532 (cited by Labcorp Genetics (formerly Invitae), Labcorp); PubMed 27292444 (cited by Labcorp Genetics (formerly Invitae), Labcorp); PubMed 29572776 (cited by Labcorp Genetics (formerly Invitae), Labcorp); PubMed 32641076 (cited by Labcorp Genetics (formerly Invitae), Labcorp).

NM_001355436.2(SPTB):c.3916C>T (p.Arg1306Ter)

Gene: SPTB (spectrin beta, erythrocytic; minus strand). Cytogenetic location: 14q23.3.
Variant type: single nucleotide variant.
Coding change: c.3916C>T on transcript NM_001355436.2 (MANE Select); coding-DNA position 3916, C replaced by T.
Protein change: p.Arg1306Ter; replaces arginine 1306 with a stop codon.
Molecular consequence: nonsense.
Genome position (GRCh38, 1-based): chr14:64,784,333, G>A on the plus strand (C>T on the coding strand, the complement: SPTB is on the minus strand). VCF-style: chr14-64784333-G-A. GRCh37 (hg19) VCF-style: chr14-65251051-G-A.
Other names: c.3916C>T (NM_001024858.2); c.3916C>T, p.Arg1306Ter (NM_001024858.4, NM_001355437.2); short protein forms R1306*.
Identifiers: ClinVar variation 544816 (VCV000544816.47), dbSNP rs150471537, ClinGen allele CA7230456.